The following is an entry in ClinVar:

NM_020937.4(FANCM):c.386A>G (p.Tyr129Cys)

Gene: FANCM (FA complementation group M; plus strand). Cytogenetic location: 14q21.2.
Variant type: single nucleotide variant.
Coding change: c.386A>G on transcript NM_020937.4 (MANE Select); coding-DNA position 386, A replaced by G.
Protein change: p.Tyr129Cys; replaces tyrosine 129 with cysteine.
Molecular consequence: missense variant.
Genome position (GRCh38, 1-based): chr14:45,136,417, A>G. VCF-style: chr14-45136417-A-G. GRCh37 (hg19) VCF-style: chr14-45605620-A-G.
Other names: c.386A>G, p.Tyr129Cys (NM_001308133.2, NM_001308134.2); short protein forms Y129C.
Identifiers: ClinVar variation 4844528 (VCV004844528.1).

ClinVar aggregate classification (germline): Uncertain significance (1 of 4 stars; one submission).

Conditions:
Inborn genetic diseases. Identifiers: MedGen C0950123, MeSH D030342.

Submission:

Ambry Genetics
Classification: Uncertain significance for Inborn genetic diseases. Last evaluated: 2026-01-16. Review status: criteria provided, single submitter. Criteria: Ambry Variant Classification Scheme 2023. Collection method: clinical testing. Allele origin: germline.
Comment: The p.Y129C variant (also known as c.386A>G), located in coding exon 1 of the FANCM gene, results from an A to G substitution at nucleotide position 386. The tyrosine at codon 129 is replaced by cysteine, an amino acid with highly dissimilar properties. This amino acid position is conserved. In addition, the in silico prediction for this alteration is inconclusive. Based on the available evidence, the clinical significance of this variant remains unclear.